The following is an entry in ClinVar:

NM_006593.4(TBR1):c.1979C>G (p.Ala660Gly)

Gene: TBR1 (T-box brain transcription factor 1; plus strand). Cytogenetic location: 2q24.2.
Variant type: single nucleotide variant.
Coding change: c.1979C>G on transcript NM_006593.4 (MANE Select); coding-DNA position 1979, C replaced by G.
Protein change: p.Ala660Gly; replaces alanine 660 with glycine.
Molecular consequence: missense variant.
Genome position (GRCh38, 1-based): chr2:161,424,157, C>G. VCF-style: chr2-161424157-C-G. GRCh37 (hg19) VCF-style: chr2-162280668-C-G.
Other names: short protein forms A660G.
Identifiers: ClinVar variation 1783762 (VCV001783762.2), dbSNP rs1251940888, ClinGen allele CA349215047.
Genomic context (GRCh38, chr2:161,424,157, plus strand): 5'-TCTCGCCGGCCGACACGCCCGTGTCCGAGAGTTCGTCCCCGCTCAAGAGCGAGGTGCTGG[C>G]CCAGCGGGACTGCGAGAAGAACTGCGCCAAGGACATTAGCGGCTACTATGGCTTCTACTC-3'
Protein context (NP_006584.1, residues 650-670): SSSPLKSEVL[Ala660Gly]QRDCEKNCAK

ClinVar aggregate classification (germline): Uncertain significance (1 of 4 stars; one submission).

Conditions:
Inborn genetic diseases. Identifiers: MedGen C0950123, MeSH D030342.

Allele frequency attached by ClinVar (database versions not stated): gnomAD exomes 0.00001.
gnomAD v4.1: 5 of 1,613,162 alleles (0.00031%); highest among the groups gnomAD compares: Middle Eastern, 0.066%; no homozygotes.

Submission:

Ambry Genetics
Classification: Uncertain significance for Inborn genetic diseases. Last evaluated: 2019-08-20. Review status: criteria provided, single submitter. Criteria: Ambry Variant Classification Scheme 2023. Collection method: clinical testing. Allele origin: germline.
Comment: The p.A660G variant (also known as c.1979C>G), located in coding exon 6 of the TBR1 gene, results from a C to G substitution at nucleotide position 1979. The alanine at codon 660 is replaced by glycine, an amino acid with similar properties. This amino acid position is not well conserved in available vertebrate species. In addition, this alteration is predicted to be tolerated by in silico analysis. Since supporting evidence is limited at this time, the clinical significance of this alteration remains unclear.